The following is an entry in ClinVar:

NM_001211.6(BUB1B):c.370C>A (p.Leu124Ile)

Gene: BUB1B (BUB1 mitotic checkpoint serine/threonine kinase B; plus strand). Cytogenetic location: 15q15.1.
Variant type: single nucleotide variant.
Coding change: c.370C>A on transcript NM_001211.6 (MANE Select); coding-DNA position 370, C replaced by A.
Protein change: p.Leu124Ile; replaces leucine 124 with isoleucine.
Molecular consequence: missense variant.
Genome position (GRCh38, 1-based): chr15:40,170,667, C>A. VCF-style: chr15-40170667-C-A. GRCh37 (hg19) VCF-style: chr15-40462868-C-A.
Other names: short protein forms L124I.
Identifiers: ClinVar variation 4826658 (VCV004826658.1).

ClinVar aggregate classification (germline): Uncertain significance (1 of 4 stars; one submission).

Conditions:
Inborn genetic diseases. Identifiers: MedGen C0950123, MeSH D030342.

Submission:

Ambry Genetics
Classification: Uncertain significance for Inborn genetic diseases. Last evaluated: 2026-03-10. Review status: criteria provided, single submitter. Criteria: Ambry Variant Classification Scheme 2023. Collection method: clinical testing. Allele origin: germline.
Comment: The p.L124I variant (also known as c.370C>A), located in coding exon 4 of the BUB1B gene, results from a C to A substitution at nucleotide position 370. The leucine at codon 124 is replaced by isoleucine, an amino acid with highly similar properties. This amino acid position is conserved. In addition, this alteration is predicted to be tolerated by in silico analysis. Based on the available evidence, the clinical significance of this variant remains unclear.